The following is an entry in ClinVar:

NM_001165963.4(SCN1A):c.942G>C (p.Trp314Cys)

Gene: SCN1A (sodium voltage-gated channel alpha subunit 1; minus strand). Cytogenetic location: 2q24.3.
Variant type: single nucleotide variant.
Coding change: c.942G>C on transcript NM_001165963.4 (MANE Select); coding-DNA position 942, G replaced by C.
Protein change: p.Trp314Cys; replaces tryptophan 314 with cysteine.
Molecular consequence: missense variant. On other transcripts: 5 prime UTR variant (1), non-coding transcript variant (1).
Genome position (GRCh38, 1-based): chr2:166,051,741, C>G on the plus strand (G>C on the coding strand, the complement: SCN1A is on the minus strand). VCF-style: chr2-166051741-C-G. GRCh37 (hg19) VCF-style: chr2-166908251-C-G.
Other names: c.942G>C, p.Trp314Cys (NM_001165964.3, NM_001202435.3, NM_001353948.2 and 10 more transcripts); c.-1484G>C (NM_001353961.2); short protein forms W314C.
Identifiers: ClinVar variation 572056 (VCV000572056.9), dbSNP rs1553549471, ClinGen allele CA349072516.

ClinVar aggregate classification (germline): Pathogenic (1 of 4 stars; one submission).

Conditions:
Early-infantile DEE. Also called: Ohtahara syndrome; Early infantile epileptic encephalopathy; Early infantile epileptic encephalopathy with suppression bursts. Identifiers: Orphanet 1934, MedGen C0393706, MONDO:0800491.

Submission:

Labcorp Genetics (formerly Invitae), Labcorp
Classification: Pathogenic for Early-infantile DEE. Last evaluated: 2025-08-22. Review status: criteria provided, single submitter. Criteria: Invitae Variant Classification Sherloc (09022015). Collection method: clinical testing. Allele origin: germline.
Comment: This sequence change replaces tryptophan, which is neutral and slightly polar, with cysteine, which is neutral and slightly polar, at codon 314 of the SCN1A protein (p.Trp314Cys). This variant is not present in population databases (gnomAD no frequency). This missense change has been observed in individual(s) with SCN1A-related conditions (PMID: 32593896, 38232648; internal data). In at least one individual the variant was observed to be de novo. ClinVar contains an entry for this variant (Variation ID: 572056). Invitae Evidence Modeling of protein sequence and biophysical properties (such as structural, functional, and spatial information, amino acid conservation, physicochemical variation, residue mobility, and thermodynamic stability) indicates that this missense variant is expected to disrupt SCN1A protein function with a positive predictive value of 95%. For these reasons, this variant has been classified as Pathogenic.

Literature cited by the submitters: PubMed 32593896; PubMed 38232648.